The following is an entry in ClinVar:

ClinVar aggregate classification (germline): Uncertain significance (1 of 4 stars; one submission).

Submission:

GeneDx
Classification: Uncertain significance. Last evaluated: 2026-02-25. Review status: criteria provided, single submitter. Criteria: GeneDx Variant Classification Process June 2021. Collection method: clinical testing. Allele origin: germline.
Comment: Not observed at significant frequency in large population cohorts (gnomAD); In silico analysis suggests that this missense variant does not alter protein structure/function; Has not been previously published as pathogenic or benign to our knowledge

NM_001197104.2(KMT2A):c.8408A>C (p.Gln2803Pro)

Gene: KMT2A (lysine methyltransferase 2A; plus strand). Cytogenetic location: 11q23.3.
Variant type: single nucleotide variant.
Coding change: c.8408A>C on transcript NM_001197104.2 (MANE Select); coding-DNA position 8408, A replaced by C.
Protein change: p.Gln2803Pro; replaces glutamine 2803 with proline.
Molecular consequence: missense variant.
Genome position (GRCh38, 1-based): chr11:118,504,300, A>C. VCF-style: chr11-118504300-A-C. GRCh37 (hg19) VCF-style: chr11-118375015-A-C.
Other names: c.8498A>C, p.Gln2833Pro (NM_001412597.1); c.8399A>C, p.Gln2800Pro (NM_005933.4); short protein forms Q2833P, Q2800P, Q2803P.
Identifiers: ClinVar variation 5008039 (VCV005008039.1).
Genomic context (GRCh38, chr11:118,504,300, plus strand): 5'-TGGATAACTGCCATTCTGTAAGCAGAGTTAAAACACAGGGACAAGATTCCTTGGAAGCTC[A>C]GCTCAGCTCATTGGAGTCAAGCCGCAGAGTCCACACAAGTACCCCCTCCGACAAAAATTT-3'
Protein context (NP_001184033.1, residues 2793-2813): KTQGQDSLEA[Gln2803Pro]LSSLESSRRV